The following is an entry in ClinVar:

ClinVar aggregate classification (germline): Pathogenic (1 of 4 stars; one submission).

Conditions:
Capillary malformation-arteriovenous malformation syndrome. Also called: Capillary malformation-arteriovenous malformation. Identifiers: Orphanet 137667, MedGen C1842180, MONDO:0012016.

Submission:

Labcorp Genetics (formerly Invitae), Labcorp
Classification: Pathogenic for Capillary malformation-arteriovenous malformation syndrome. Last evaluated: 2023-04-28. Review status: criteria provided, single submitter. Criteria: Invitae Variant Classification Sherloc (09022015). Collection method: clinical testing. Allele origin: germline.
Comment: For these reasons, this variant has been classified as Pathogenic. Algorithms developed to predict the effect of sequence changes on RNA splicing suggest that this variant may disrupt the consensus splice site. This variant has been observed in individual(s) with clinical features of capillary malformation-arteriovenous malformation (Invitae). In at least one individual the variant was observed to be de novo. This variant is not present in population databases (gnomAD no frequency). This sequence change falls in intron 23 of the RASA1 gene. It does not directly change the encoded amino acid sequence of the RASA1 protein.

NM_002890.3(RASA1):c.2926-14C>G

Genes: CCNH (cyclin H; minus strand), RASA1 (RAS p21 protein activator 1; plus strand). Cytogenetic location: 5q14.3.
Variant type: single nucleotide variant.
Coding change: c.2926-14C>G on transcript NM_002890.3 (MANE Select); 14 bases into the intron before coding-DNA position 2926, C replaced by G.
Molecular consequence: intron variant.
Genome position (GRCh38, 1-based): chr5:87,389,379, C>G. VCF-style: chr5-87389379-C-G. GRCh37 (hg19) VCF-style: chr5-86685196-C-G.
Other names: c.2395-14C>G (NM_022650.3); c.933+5665G>C (NM_001364075.2).
Identifiers: ClinVar variation 2852613 (VCV002852613.3), dbSNP rs886060843, ClinGen allele CA2739274922.